The following is an entry in ClinVar:

ClinVar aggregate classification (germline): Uncertain significance. Review status: criteria provided, multiple submitters, no conflicts (2 of 4 stars). 2 submissions from 2 submitters: Uncertain significance (2). Last evaluated 2024-10-29.

Conditions:
Inborn genetic diseases. Identifiers: MedGen C0950123, MeSH D030342.

Allele frequency attached by ClinVar (database versions not stated): gnomAD exomes 0.00001 and 0.00002; ExAC 0.00002; gnomAD 0.00003 and 0.00004; TOPMed 0.00004.
gnomAD v4.1: 15 of 1,612,446 alleles (0.00093%); highest among the groups gnomAD compares: African/African-American, 0.0013%; no homozygotes.

Submissions (2):

Ambry Genetics
Classification: Uncertain significance for Inborn genetic diseases. Last evaluated: 2024-10-29. Review status: criteria provided, single submitter. Criteria: Ambry Variant Classification Scheme 2023. Collection method: clinical testing. Allele origin: germline.

Labcorp Genetics (formerly Invitae), Labcorp
Classification: Uncertain significance. Last evaluated: 2021-10-13. Review status: criteria provided, single submitter. Criteria: Invitae Variant Classification Sherloc (09022015). Collection method: clinical testing. Allele origin: germline.
Comment: This sequence change replaces alanine with threonine at codon 138 of the GTF2E2 protein (p.Ala138Thr). The alanine residue is moderately conserved and there is a small physicochemical difference between alanine and threonine. This variant is present in population databases (rs771941105, ExAC 0.005%). This variant has not been reported in the literature in individuals affected with GTF2E2-related conditions. Algorithms developed to predict the effect of missense changes on protein structure and function (SIFT, PolyPhen-2, Align-GVGD) all suggest that this variant is likely to be tolerated. In summary, the available evidence is currently insufficient to determine the role of this variant in disease. Therefore, it has been classified as a Variant of Uncertain Significance.

NM_002095.6(GTF2E2):c.412G>A (p.Ala138Thr)

Gene: GTF2E2 (general transcription factor IIE subunit 2; minus strand). Cytogenetic location: 8p12.
Variant type: single nucleotide variant.
Coding change: c.412G>A on transcript NM_002095.6 (MANE Select); coding-DNA position 412, G replaced by A.
Protein change: p.Ala138Thr; replaces alanine 138 with threonine.
Molecular consequence: missense variant.
Genome position (GRCh38, 1-based): chr8:30,612,436, C>T on the plus strand (G>A on the coding strand, the complement: GTF2E2 is on the minus strand). VCF-style: chr8-30612436-C-T. GRCh37 (hg19) VCF-style: chr8-30469953-C-T.
Other names: c.412G>A, p.Ala138Thr (NM_001348353.1); c.412G>A (NM_002095.4); short protein forms A138T.
Identifiers: ClinVar variation 1356627 (VCV001356627.4), dbSNP rs771941105, ClinGen allele CA4700971.